The following is an entry in ClinVar:

ClinVar aggregate classification (germline): Uncertain significance (1 of 4 stars; one submission).

Conditions:
Cardiomyopathy (CMYO). Also called: Cardiomyopathies. Identifiers: Orphanet 167848, MedGen C0878544, MONDO:0004994, HP:0001638. Inheritance: Various modes of inheritance.

Submission:

Color Diagnostics, LLC DBA Color Health
Classification: Uncertain significance for Cardiomyopathy. Last evaluated: 2025-07-25. Review status: criteria provided, single submitter. Criteria: ACMG Guidelines, 2015. Collection method: clinical testing. Allele origin: germline.
Comment: This missense variant replaces serine with phenylalanine at codon 59 of the PRKAG2 protein. Computational prediction suggests that this variant may not impact protein structure and function. To our knowledge, functional studies have not been reported for this variant. This variant has not been reported in individuals affected with PRKAG2-related disorders in the literature. This variant has not been identified in the general population by the Genome Aggregation Database (gnomAD). The available evidence is insufficient to determine the role of this variant in disease conclusively. Therefore, this variant is classified as a Variant of Uncertain Significance.

NM_016203.4(PRKAG2):c.176C>T (p.Ser59Phe)

Gene: PRKAG2 (protein kinase AMP-activated non-catalytic subunit gamma 2; minus strand). Cytogenetic location: 7q36.1.
Variant type: single nucleotide variant.
Coding change: c.176C>T on transcript NM_016203.4 (MANE Select); coding-DNA position 176, C replaced by T.
Protein change: p.Ser59Phe; replaces serine 59 with phenylalanine.
Molecular consequence: missense variant. On other transcripts: intron variant (1).
Genome position (GRCh38, 1-based): chr7:151,786,480, G>A on the plus strand (C>T on the coding strand, the complement: PRKAG2 is on the minus strand). VCF-style: chr7-151786480-G-A. GRCh37 (hg19) VCF-style: chr7-151483566-G-A.
Other names: c.44C>T, p.Ser15Phe (NM_001040633.2, NM_001407024.1, NM_001407026.1 and 2 more transcripts); c.176C>T, p.Ser59Phe (NM_001407021.1, NM_001407022.1, NM_001407023.1 and 2 more transcripts); c.148+27936C>T (NM_001407032.1); short protein forms S15F, S59F.
Identifiers: ClinVar variation 4759049 (VCV004759049.1).
Genomic context (GRCh38, chr7:151,786,480, plus strand): 5'-CCGTGGCACCTCAAGTGAGCTGTGAGAAACTTCTGGAAAGGAGGTCTTACCTTTCGAGAG[G>A]AATGCTTTCCGGAACCCTCCAGGTCTCCGTCCAGGAGCGGCATGGCGAAGGAGCTCAGGT-3'
Protein context (NP_057287.2, residues 49-69): DGDLEGSGKH[Ser59Phe]SRKVDSPFGP